The following is an entry in ClinVar:

NM_005477.3(HCN4):c.3187C>T (p.Pro1063Ser)

Gene: HCN4 (hyperpolarization activated cyclic nucleotide gated potassium channel 4; minus strand). Cytogenetic location: 15q24.1.
Variant type: single nucleotide variant.
Coding change: c.3187C>T on transcript NM_005477.3 (MANE Select); coding-DNA position 3187, C replaced by T.
Protein change: p.Pro1063Ser; replaces proline 1063 with serine.
Molecular consequence: missense variant.
Genome position (GRCh38, 1-based): chr15:73,322,906, G>A on the plus strand (C>T on the coding strand, the complement: HCN4 is on the minus strand). VCF-style: chr15-73322906-G-A. GRCh37 (hg19) VCF-style: chr15-73615247-G-A.
Other names: short protein forms P1063S.
Identifiers: ClinVar variation 2723048 (VCV002723048.4), dbSNP rs535227661, ClinGen allele CA393086048.

ClinVar aggregate classification (germline): Uncertain significance. Review status: criteria provided, multiple submitters, no conflicts (2 of 4 stars). 2 submissions from 2 submitters: Uncertain significance (2). Last evaluated 2023-06-19.

Conditions:
Brugada syndrome 8 (BRGDA8). Identifiers: Orphanet 130, MedGen C2751083, MONDO:0013148, OMIM 613123.

gnomAD v4.1: 1 of 1,409,870 alleles (0.000071%); highest among the groups gnomAD compares: Non-Finnish European, 0.000094%; no homozygotes.

Submissions (2):

Labcorp Genetics (formerly Invitae), Labcorp
Classification: Uncertain significance for Brugada syndrome 8. Last evaluated: 2023-06-19. Review status: criteria provided, single submitter. Criteria: Invitae Variant Classification Sherloc (09022015). Collection method: clinical testing. Allele origin: germline.
Comment: This sequence change replaces proline, which is neutral and non-polar, with serine, which is neutral and polar, at codon 1063 of the HCN4 protein (p.Pro1063Ser). This variant is not present in population databases (gnomAD no frequency). This variant has not been reported in the literature in individuals affected with HCN4-related conditions. Advanced modeling of protein sequence and biophysical properties (such as structural, functional, and spatial information, amino acid conservation, physicochemical variation, residue mobility, and thermodynamic stability) performed at Invitae indicates that this missense variant is not expected to disrupt HCN4 protein function. In summary, the available evidence is currently insufficient to determine the role of this variant in disease. Therefore, it has been classified as a Variant of Uncertain Significance.

Breakthrough Genomics
Classification: Uncertain significance. Review status: criteria provided, single submitter. Criteria: ACMG Guidelines, 2015. Collection method: not provided. Allele origin: germline. Inheritance: Autosomal dominant inheritance. Affected: yes.